The following is an entry in ClinVar:

NM_004527.4(MEOX1):c.614C>T (p.Ala205Val)

Gene: MEOX1 (mesenchyme homeobox 1; minus strand). Cytogenetic location: 17q21.31.
Variant type: single nucleotide variant.
Coding change: c.614C>T on transcript NM_004527.4 (MANE Select); coding-DNA position 614, C replaced by T.
Protein change: p.Ala205Val; replaces alanine 205 with valine.
Molecular consequence: missense variant. On other transcripts: intron variant (1).
Genome position (GRCh38, 1-based): chr17:43,643,516, G>A on the plus strand (C>T on the coding strand, the complement: MEOX1 is on the minus strand). VCF-style: chr17-43643516-G-A. GRCh37 (hg19) VCF-style: chr17-41720884-G-A.
Other names: c.269C>T, p.Ala90Val (NM_001040002.2); c.470-1484C>T (NM_013999.4); short protein forms A90V, A205V.
Identifiers: ClinVar variation 2152287 (VCV002152287.5), dbSNP rs747977868, ClinGen allele CA8592580.

ClinVar aggregate classification (germline): Uncertain significance. Review status: criteria provided, multiple submitters, no conflicts (2 of 4 stars). 2 submissions from 2 submitters: Uncertain significance (2). Last evaluated 2026-01-11.

Allele frequency attached by ClinVar (database versions not stated): gnomAD 0.00002; TOPMed 0.00002; ExAC 0.00006.
gnomAD v4.1: 47 of 1,602,250 alleles (0.0029%); highest among the groups gnomAD compares: Non-Finnish European, 0.0038%; no homozygotes.

Submissions (2):

Labcorp Genetics (formerly Invitae), Labcorp
Classification: Uncertain significance. Last evaluated: 2026-01-11. Review status: criteria provided, single submitter. Criteria: Invitae Variant Classification Sherloc (09022015). Collection method: clinical testing. Allele origin: germline.
Comment: This sequence change replaces alanine, which is neutral and non-polar, with valine, which is neutral and non-polar, at codon 205 of the MEOX1 protein (p.Ala205Val). The frequency data for this variant in the population databases is considered unreliable, as metrics indicate poor data quality at this position in the gnomAD database. This missense change has been observed in individual(s) with Klippel-Feil syndrome (PMID: 29459493). ClinVar contains an entry for this variant (Variation ID: 2152287). An algorithm developed to predict the effect of missense changes on protein structure and function (PolyPhen-2) suggests that this variant is likely to be disruptive. In summary, the available evidence is currently insufficient to determine the role of this variant in disease. Therefore, it has been classified as a Variant of Uncertain Significance.

Blueprint Genetics
Classification: Uncertain significance. Last evaluated: 2024-01-24. Review status: criteria provided, single submitter. Criteria: ACMG Guidelines, 2015. Collection method: clinical testing. Allele origin: germline.

Literature cited by the submitters: PubMed 29459493 (cited by Labcorp Genetics (formerly Invitae), Labcorp).